The following is an entry in ClinVar:

NM_031935.3(HMCN1):c.10903C>G (p.Arg3635Gly)

Gene: HMCN1 (hemicentin 1; plus strand). Cytogenetic location: 1q31.1.
Variant type: single nucleotide variant.
Coding change: c.10903C>G on transcript NM_031935.3 (MANE Select); coding-DNA position 10903, C replaced by G.
Protein change: p.Arg3635Gly; replaces arginine 3635 with glycine.
Molecular consequence: missense variant.
Genome position (GRCh38, 1-based): chr1:186,108,511, C>G. VCF-style: chr1-186108511-C-G. GRCh37 (hg19) VCF-style: chr1-186077643-C-G.
Other names: short protein forms R3635G.
Identifiers: ClinVar variation 4735172 (VCV004735172.1).

ClinVar aggregate classification (germline): Uncertain significance (1 of 4 stars; one submission).

Submission:

Labcorp Genetics (formerly Invitae), Labcorp
Classification: Uncertain significance. Last evaluated: 2026-01-15. Review status: criteria provided, single submitter. Criteria: Invitae Variant Classification Sherloc (09022015). Collection method: clinical testing. Allele origin: germline.
Comment: This sequence change replaces arginine, which is basic and polar, with glycine, which is neutral and non-polar, at codon 3635 of the HMCN1 protein (p.Arg3635Gly). This variant is not present in population databases (gnomAD no frequency). This variant has not been reported in the literature in individuals affected with HMCN1-related conditions. An algorithm developed to predict the effect of missense changes on protein structure and function (PolyPhen-2) suggests that this variant is likely to be disruptive. In summary, the available evidence is currently insufficient to determine the role of this variant in disease. Therefore, it has been classified as a Variant of Uncertain Significance.